The following is an entry in ClinVar:

NM_207122.2(EXT2):c.1484A>G (p.Asn495Ser)

Genes: EXT2 (exostosin glycosyltransferase 2; plus strand), LOC126861201 (MED14-independent group 3 enhancer GRCh37_chr11:44218806-44220005; plus strand). Cytogenetic location: 11p11.2.
Variant type: single nucleotide variant.
Coding change: c.1484A>G on transcript NM_207122.2 (MANE Select); coding-DNA position 1484, A replaced by G.
Protein change: p.Asn495Ser; replaces asparagine 495 with serine.
Molecular consequence: missense variant.
Genome position (GRCh38, 1-based): chr11:44,198,007, A>G. VCF-style: chr11-44198007-A-G. GRCh37 (hg19) VCF-style: chr11-44219557-A-G.
Other names: c.1583A>G, p.Asn528Ser (NM_000401.3); c.1514A>G, p.Asn505Ser (NM_001178083.3); c.1484A>G, p.Asn495Ser (NM_001389628.1, NM_001389630.1); short protein forms N528S, N495S, N505S.
Identifiers: ClinVar variation 1510156 (VCV001510156.30), dbSNP rs1590640131, ClinGen allele CA380179296.

ClinVar aggregate classification (germline): Uncertain significance. Review status: criteria provided, multiple submitters, no conflicts (2 of 4 stars). 2 submissions from 2 submitters: Uncertain significance (2). Last evaluated 2022-05-01.

Conditions:
Exostoses, multiple, type 2 (EXT2). Also called: Hereditary Multiple Osteochondromatosis, Type II; EXOSTOSES, MULTIPLE, TYPE II. Identifiers: Orphanet 321, MedGen C1851413, MONDO:0007586, OMIM 133701.

Allele frequency attached by ClinVar (database versions not stated): gnomAD exomes below 0.00001; gnomAD 0.00001.
gnomAD v4.1: 3 of 1,613,976 alleles (0.00019%); highest among the groups gnomAD compares: Non-Finnish European, 0.00025%; no homozygotes.

Submissions (2):

CeGaT Center for Human Genetics Tuebingen
Classification: Uncertain significance. Last evaluated: 2022-05-01. Review status: criteria provided, single submitter. Criteria: CeGaT Center For Human Genetics Tuebingen Variant Classification Criteria Version 2. Collection method: clinical testing. Allele origin: germline. Affected: yes. Observed: 1 variant allele.
Comment: EXT2: PM2, BP4

Labcorp Genetics (formerly Invitae), Labcorp
Classification: Uncertain significance for Exostoses, multiple, type 2. Last evaluated: 2021-08-24. Review status: criteria provided, single submitter. Criteria: Invitae Variant Classification Sherloc (09022015). Collection method: clinical testing. Allele origin: germline.
Comment: This sequence change replaces asparagine with serine at codon 495 of the EXT2 protein (p.Asn495Ser). The asparagine residue is moderately conserved and there is a small physicochemical difference between asparagine and serine. In summary, the available evidence is currently insufficient to determine the role of this variant in disease. Therefore, it has been classified as a Variant of Uncertain Significance. Algorithms developed to predict the effect of missense changes on protein structure and function output the following: SIFT: "Tolerated"; PolyPhen-2: "Benign"; Align-GVGD: "Class C0". The serine amino acid residue is found in multiple mammalian species, which suggests that this missense change does not adversely affect protein function. This variant has not been reported in the literature in individuals affected with EXT2-related conditions. This variant is not present in population databases (ExAC no frequency).